The following is an entry in ClinVar:

NM_006363.6(SEC23B):c.2011A>G (p.Lys671Glu)

Gene: SEC23B (SEC23 homolog B, COPII component; plus strand). Cytogenetic location: 20p11.23.
Variant type: single nucleotide variant.
Coding change: c.2011A>G on transcript NM_006363.6 (MANE Select); coding-DNA position 2011, A replaced by G.
Protein change: p.Lys671Glu; replaces lysine 671 with glutamic acid.
Molecular consequence: missense variant.
Genome position (GRCh38, 1-based): chr20:18,554,253, A>G. VCF-style: chr20-18554253-A-G. GRCh37 (hg19) VCF-style: chr20-18534897-A-G.
Other names: c.2011A>G, p.Lys671Glu (NM_001172745.3, NM_032985.6, NM_032986.5); c.1957A>G, p.Lys653Glu (NM_001172746.3); short protein forms K653E, K671E.
Identifiers: ClinVar variation 2167115 (VCV002167115.4), dbSNP rs1312286399, ClinGen allele CA408366337.
Genomic context (GRCh38, chr20:18,554,253, plus strand): 5'-TACAGTTTCCACAATAGTTTTGGTTGGTTTGTTTCTGTGTAGACCATAGCCCAGTGGCGT[A>G]AAGCTGGCTACCAGGACATGCCCGAGTATGAAAACTTCAAGCACCTTCTGCAGGCACCAC-3'
Protein context (NP_006354.2, residues 661-681): YLGETIAQWR[Lys671Glu]AGYQDMPEYE

ClinVar aggregate classification (germline): Uncertain significance (1 of 4 stars; one submission).

Conditions:
Congenital dyserythropoietic anemia, type II (CDAN2). Also called: DYSERYTHROPOIETIC ANEMIA, HEMPAS TYPE. Identifiers: Orphanet 98873, MedGen C1306589, MONDO:0009134, OMIM 224100.
Cowden syndrome 7 (CWS7). Identifiers: Orphanet 201, MedGen C4225179, MONDO:0014802, OMIM 616858.

Allele frequency attached by ClinVar (database versions not stated): gnomAD exomes below 0.00001.
gnomAD v4.1: 2 of 1,614,192 alleles (0.00012%); highest among the groups gnomAD compares: Admixed American, 0.0033%; no homozygotes.

Submission:

Labcorp Genetics (formerly Invitae), Labcorp
Classification: Uncertain significance for Congenital dyserythropoietic anemia, type II; Cowden syndrome 7. Last evaluated: 2022-06-11. Review status: criteria provided, single submitter. Criteria: Invitae Variant Classification Sherloc (09022015). Collection method: clinical testing. Allele origin: germline.
Comment: In summary, the available evidence is currently insufficient to determine the role of this variant in disease. Therefore, it has been classified as a Variant of Uncertain Significance. Algorithms developed to predict the effect of missense changes on protein structure and function (SIFT, PolyPhen-2, Align-GVGD) all suggest that this variant is likely to be tolerated. This variant has not been reported in the literature in individuals affected with SEC23B-related conditions. This variant is present in population databases (no rsID available, gnomAD 0.003%). This sequence change replaces lysine, which is basic and polar, with glutamic acid, which is acidic and polar, at codon 671 of the SEC23B protein (p.Lys671Glu).